The following is an entry in ClinVar:

NM_001184.4(ATR):c.6976T>C (p.Cys2326Arg)

Gene: ATR (ATR checkpoint kinase; minus strand). Cytogenetic location: 3q23.
Variant type: single nucleotide variant.
Coding change: c.6976T>C on transcript NM_001184.4 (MANE Select); coding-DNA position 6976, T replaced by C.
Protein change: p.Cys2326Arg; replaces cysteine 2326 with arginine.
Molecular consequence: missense variant.
Genome position (GRCh38, 1-based): chr3:142,465,162, A>G on the plus strand (T>C on the coding strand, the complement: ATR is on the minus strand). VCF-style: chr3-142465162-A-G. GRCh37 (hg19) VCF-style: chr3-142184004-A-G.
Other names: c.6784T>C, p.Cys2262Arg (NM_001354579.2); short protein forms C2262R, C2326R.
Identifiers: ClinVar variation 1398745 (VCV001398745.8), dbSNP rs766127973, ClinGen allele CA2649228.
Genomic context (GRCh38, chr3:142,465,162, plus strand): 5'-TAATCAAGGAATTGAATTCCATTAGTCTACAATCCTTTCTCAGGTCATCTTTTGGCTTAC[A>G]CATCATGATGTAGAACTTTCCATCTGAGCCTTTTAAAGAAATCTTCTTTGGTTTCTGAAG-3'
Protein context (NP_001175.2, residues 2316-2336): GSDGKFYIMM[Cys2326Arg]KPKDDLRKDC

ClinVar aggregate classification (germline): Uncertain significance. Review status: criteria provided, multiple submitters, no conflicts (2 of 4 stars). 4 submissions from 3 submitters: Uncertain significance (4). Last evaluated 2025-05-05.

Conditions:
Inborn genetic diseases. Identifiers: MedGen C0950123, MeSH D030342.
Seckel syndrome 1 (SCKL1). Also called: MICROCEPHALIC PRIMORDIAL DWARFISM I. Identifiers: Orphanet 808, MedGen C4551474, MONDO:0008869, OMIM 210600.
Familial cutaneous telangiectasia and oropharyngeal predisposition cancer syndrome. Identifiers: Orphanet 313846, MedGen C3281203, MONDO:0013806, OMIM 614564.

Allele frequency attached by ClinVar (database versions not stated): gnomAD exomes 0.00001 and below 0.00001; TOPMed 0.00001; ExAC 0.00001.
gnomAD v4.1: 2 of 1,608,270 alleles (0.00012%); highest among the groups gnomAD compares: Admixed American, 0.0033%; no homozygotes.

Submissions (4):

Labcorp Genetics (formerly Invitae), Labcorp
Classification: Uncertain significance. Last evaluated: 2025-05-05. Review status: criteria provided, single submitter. Criteria: Invitae Variant Classification Sherloc (09022015). Collection method: clinical testing. Allele origin: germline.
Comment: This sequence change replaces cysteine, which is neutral and slightly polar, with arginine, which is basic and polar, at codon 2326 of the ATR protein (p.Cys2326Arg). This variant is present in population databases (rs766127973, gnomAD 0.009%). This variant has not been reported in the literature in individuals affected with ATR-related conditions. ClinVar contains an entry for this variant (Variation ID: 1398745). An algorithm developed to predict the effect of missense changes on protein structure and function (PolyPhen-2) suggests that this variant is likely to be disruptive. In summary, the available evidence is currently insufficient to determine the role of this variant in disease. Therefore, it has been classified as a Variant of Uncertain Significance.

Genome-Nilou Lab
Classification: Uncertain significance for Seckel syndrome 1. Last evaluated: 2023-02-08. Review status: criteria provided, single submitter. Criteria: ACMG Guidelines, 2015. Collection method: clinical testing. Allele origin: germline.

Genome-Nilou Lab
Classification: Uncertain significance for Familial cutaneous telangiectasia and oropharyngeal predisposition cancer syndrome. Last evaluated: 2023-02-08. Review status: criteria provided, single submitter. Criteria: ACMG Guidelines, 2015. Collection method: clinical testing. Allele origin: germline.

Ambry Genetics
Classification: Uncertain significance for Inborn genetic diseases. Last evaluated: 2021-12-04. Review status: criteria provided, single submitter. Criteria: Ambry Variant Classification Scheme 2023. Collection method: clinical testing. Allele origin: germline.
Comment: The p.C2326R variant (also known as c.6976T>C), located in coding exon 41 of the ATR gene, results from a T to C substitution at nucleotide position 6976. The cysteine at codon 2326 is replaced by arginine, an amino acid with highly dissimilar properties. This amino acid position is conserved. In addition, this alteration is predicted to be deleterious by in silico analysis. Since supporting evidence is limited at this time, the clinical significance of this alteration remains unclear.